The following is an entry in ClinVar:

ClinVar aggregate classification (germline): Benign. Review status: criteria provided, multiple submitters, no conflicts (2 of 4 stars). 4 submissions from 4 submitters: Benign (3). 1 of the submissions does not count toward it. Last evaluated 2026-01-25.

Conditions:
TBX19-related disorder. Also called: TBX19-related condition.
Congenital isolated adrenocorticotropic hormone deficiency. Also called: ACTH DEFICIENCY, ISOLATED; ACTH deficiency; Adrenocorticotropic hormone deficiency. Identifiers: Orphanet 199296, MedGen C0342388, MONDO:0008720, OMIM 201400, HP:0011748.

Allele frequency attached by ClinVar (database versions not stated): gnomAD exomes 0.00091 and 0.00221; ExAC 0.00274; 1000 Genomes Project 0.00679; 1000 Genomes Project 30x 0.00781; gnomAD 0.00863 and 0.00937; TOPMed 0.00988; ESP Exome Variant Server 0.01123.
gnomAD v4.1: 2,733 of 1,614,082 alleles (0.17%); highest among the groups gnomAD compares: African/African-American, 3.2%; 41 homozygotes.

Submissions (4):

Labcorp Genetics (formerly Invitae), Labcorp
Classification: Benign. Last evaluated: 2026-01-25. Review status: criteria provided, single submitter. Criteria: Invitae Variant Classification Sherloc (09022015). Collection method: clinical testing. Allele origin: germline.

Illumina Laboratory Services, Illumina
Classification: Benign for Congenital isolated adrenocorticotropic hormone deficiency. Last evaluated: 2018-01-12. Review status: criteria provided, single submitter. Criteria: ICSL Variant Classification Criteria 13 December 2019. Collection method: clinical testing. Allele origin: germline.
Comment: This variant was observed in the ICSL laboratory as part of a predisposition screen in an ostensibly healthy population. It had not been previously curated by ICSL or reported in the Human Gene Mutation Database (HGMD: prior to June 1st, 2018), and was therefore a candidate for classification through an automated scoring system. Utilizing variant allele frequency, disease prevalence and penetrance estimates, and inheritance mode, an automated score was calculated to assess if this variant is too frequent to cause the disease. Based on the score and internal cut-off values, a variant classified as benign is not then subjected to further curation. The score for this variant resulted in a classification of benign for this disease.

Breakthrough Genomics
Classification: Benign. Review status: criteria provided, single submitter. Criteria: ACMG Guidelines, 2015. Collection method: not provided. Allele origin: germline. Inheritance: Autosomal recessive inheritance. Affected: yes.

PreventionGenetics, part of Exact Sciences
Classification: Benign for TBX19-related condition. Last evaluated: 2019-08-12. Review status: no assertion criteria provided. Collection method: clinical testing. Allele origin: germline. Not counted in ClinVar's aggregate classification.
Comment: This variant is classified as benign based on ACMG/AMP sequence variant interpretation guidelines (Richards et al. 2015 PMID: 25741868, with internal and published modifications).

NM_005149.3(TBX19):c.105C>T (p.Asp35=)

Gene: TBX19 (T-box transcription factor 19; plus strand). Cytogenetic location: 1q24.2.
Variant type: single nucleotide variant.
Coding change: c.105C>T on transcript NM_005149.3 (MANE Select); coding-DNA position 105, C replaced by T.
Protein change: p.Asp35=; no amino-acid change (aspartic acid 35 retained).
Molecular consequence: synonymous variant.
Genome position (GRCh38, 1-based): chr1:168,281,195, C>T. VCF-style: chr1-168281195-C-T. GRCh37 (hg19) VCF-style: chr1-168250433-C-T.
Identifiers: ClinVar variation 293454 (VCV000293454.16), dbSNP rs34284181, ClinGen allele CA1230399.